The following is an entry in ClinVar:

ClinVar aggregate classification (germline): Uncertain significance (1 of 4 stars; one submission).

gnomAD v4.1: 11 of 1,611,186 alleles (0.00068%); highest among the groups gnomAD compares: South Asian, 0.0055%; no homozygotes.

Submission:

Labcorp Genetics (formerly Invitae), Labcorp
Classification: Uncertain significance. Last evaluated: 2025-06-04. Review status: criteria provided, single submitter. Criteria: Invitae Variant Classification Sherloc (09022015). Collection method: clinical testing. Allele origin: germline.
Comment: This sequence change replaces methionine, which is neutral and non-polar, with valine, which is neutral and non-polar, at codon 263 of the SOX10 protein (p.Met263Val). This variant is present in population databases (rs749628775, gnomAD 0.01%). This variant has not been reported in the literature in individuals affected with SOX10-related conditions. Invitae Evidence Modeling of protein sequence and biophysical properties (such as structural, functional, and spatial information, amino acid conservation, physicochemical variation, residue mobility, and thermodynamic stability) indicates that this missense variant is not expected to disrupt SOX10 protein function with a negative predictive value of 95%. In summary, the available evidence is currently insufficient to determine the role of this variant in disease. Therefore, it has been classified as a Variant of Uncertain Significance.

NM_006941.4(SOX10):c.787A>G (p.Met263Val)

Genes: POLR2F (RNA polymerase II, I and III subunit F; plus strand), SOX10 (SRY-box transcription factor 10; minus strand). Cytogenetic location: 22q13.1.
Variant type: single nucleotide variant.
Coding change: c.787A>G on transcript NM_006941.4 (MANE Select); coding-DNA position 787, A replaced by G.
Protein change: p.Met263Val; replaces methionine 263 with valine.
Molecular consequence: missense variant. On other transcripts: intron variant (3).
Genome position (GRCh38, 1-based): chr22:37,974,109, T>C on the plus strand (A>G on the coding strand, the complement: SOX10 is on the minus strand). VCF-style: chr22-37974109-T-C. GRCh37 (hg19) VCF-style: chr22-38370116-T-C.
Other names: c.*38+1799T>C (NM_001363825.1); c.293+6939T>C (NM_001301130.2, NM_001301131.2); short protein forms M263V.
Identifiers: ClinVar variation 4765987 (VCV004765987.1).